The following is an entry in ClinVar:

NM_032776.3(JMJD1C):c.1006T>G (p.Ser336Ala)

Gene: JMJD1C (jumonji domain containing 1C; minus strand). Cytogenetic location: 10q21.3.
Variant type: single nucleotide variant.
Coding change: c.1006T>G on transcript NM_032776.3 (MANE Select); coding-DNA position 1006, T replaced by G.
Protein change: p.Ser336Ala; replaces serine 336 with alanine.
Molecular consequence: missense variant. On other transcripts: non-coding transcript variant (1).
Genome position (GRCh38, 1-based): chr10:63,215,272, A>C on the plus strand (T>G on the coding strand, the complement: JMJD1C is on the minus strand). VCF-style: chr10-63215272-A-C. GRCh37 (hg19) VCF-style: chr10-64975032-A-C.
Other names: c.460T>G, p.Ser154Ala (NM_001282948.2, NM_001318154.2); c.142T>G, p.Ser48Ala (NM_001318153.2); c.892T>G, p.Ser298Ala (NM_001322252.2); c.349T>G, p.Ser117Ala (NM_001322254.2, NM_001322258.2); short protein forms S154A, S298A, S336A, S48A, S117A.
Identifiers: ClinVar variation 2095585 (VCV002095585.4), dbSNP rs1393005345, ClinGen allele CA377050862.
Genomic context (GRCh38, chr10:63,215,272, plus strand): 5'-TATTTTTGTTTTATTTGTTTTCATTCCCTTAAAAAAAAAAGTGGGTCCTACCTCCTCGTG[A>C]TATATAATCATATTTTTCCTCCTTCATCTTCTCTTCATCTGGTATACTGCTATCTGAGCC-3'
Protein context (NP_116165.1, residues 326-346): KMKEEKYDYI[Ser336Ala]RGENPKGKNK

ClinVar aggregate classification (germline): Uncertain significance (1 of 4 stars; one submission).

Conditions:
Early Myoclonic Encephalopathy. Identifiers: MedGen C0270855.

Allele frequency attached by ClinVar (database versions not stated): TOPMed below 0.00001; gnomAD 0.00001.

Submission:

Labcorp Genetics (formerly Invitae), Labcorp
Classification: Uncertain significance for Early Myoclonic Encephalopathy. Last evaluated: 2022-10-16. Review status: criteria provided, single submitter. Criteria: Invitae Variant Classification Sherloc (09022015). Collection method: clinical testing. Allele origin: germline.
Comment: In summary, the available evidence is currently insufficient to determine the role of this variant in disease. Therefore, it has been classified as a Variant of Uncertain Significance. Algorithms developed to predict the effect of missense changes on protein structure and function output the following: SIFT: "Tolerated"; PolyPhen-2: "Benign"; Align-GVGD: "Class C0". The alanine amino acid residue is found in multiple mammalian species, which suggests that this missense change does not adversely affect protein function. This variant has not been reported in the literature in individuals affected with JMJD1C-related conditions. This variant is present in population databases (no rsID available, gnomAD 0.007%). This sequence change replaces serine, which is neutral and polar, with alanine, which is neutral and non-polar, at codon 336 of the JMJD1C protein (p.Ser336Ala).